The following is an entry in ClinVar:

NM_203446.3(SYNJ1):c.*283G>A

Gene: SYNJ1 (synaptojanin 1; minus strand). Cytogenetic location: 21q22.11.
Variant type: single nucleotide variant.
Coding change: c.*283G>A on transcript NM_203446.3 (MANE Select); 283 bases downstream of the stop codon, G replaced by A.
Molecular consequence: 3 prime UTR variant. On other transcripts: missense variant (2).
Genome position (GRCh38, 1-based): chr21:32,631,522, C>T on the plus strand (G>A on the coding strand, the complement: SYNJ1 is on the minus strand). VCF-style: chr21-32631522-C-T. GRCh37 (hg19) VCF-style: chr21-34003832-C-T.
Other names: c.*283G>A (NM_001160302.2); c.4054G>A, p.Gly1352Ser (NM_001160306.2); c.4312G>A, p.Gly1438Ser (NM_003895.4); short protein forms G1352S, G1438S.
Identifiers: ClinVar variation 1995477 (VCV001995477.4), dbSNP rs2517272702, ClinGen allele CA410082083.
Genomic context (GRCh38, chr21:32,631,522, plus strand): 5'-CTCTAAATGGGTTTCCAGGAGCAGCAGTCCTGTCACTGAAAGGATTTGTCCTGGTCAAGC[C>T]AGTAATAAATGGGTTTGGAGAACTTCGCATATTTTCCTGGGATTGACTCCGAGCTGGAAT-3'

ClinVar aggregate classification (germline): Uncertain significance (1 of 4 stars; one submission).

Conditions:
Developmental and epileptic encephalopathy, 53. Also called: Epileptic encephalopathy, early infantile, 53. Identifiers: MedGen C4479313, MONDO:0033362, OMIM 617389.
Early-onset Parkinson disease 20. Also called: PARKINSON DISEASE 20, AUTOSOMAL RECESSIVE EARLY-ONSET. Identifiers: Orphanet 391411, MedGen C3809824, MONDO:0014233, OMIM 615530.

Submission:

Labcorp Genetics (formerly Invitae), Labcorp
Classification: Uncertain significance for Developmental and epileptic encephalopathy, 53; Early-onset Parkinson disease 20. Last evaluated: 2022-05-24. Review status: criteria provided, single submitter. Criteria: Invitae Variant Classification Sherloc (09022015). Collection method: clinical testing. Allele origin: germline.
Comment: In summary, the available evidence is currently insufficient to determine the role of this variant in disease. Therefore, it has been classified as a Variant of Uncertain Significance. Algorithms developed to predict the effect of missense changes on protein structure and function output the following: SIFT: "Tolerated"; PolyPhen-2: "Benign"; Align-GVGD: "Class C0". The serine amino acid residue is found in multiple mammalian species, which suggests that this missense change does not adversely affect protein function. This variant has not been reported in the literature in individuals affected with SYNJ1-related conditions. This variant is not present in population databases (gnomAD no frequency). This sequence change replaces glycine, which is neutral and non-polar, with serine, which is neutral and polar, at codon 1438 of the SYNJ1 protein (p.Gly1438Ser).